The following is an entry in ClinVar:

ClinVar aggregate classification (germline): Uncertain significance (0 of 4 stars; one submission).

Conditions:
SEMA3C-related disorder. Also called: SEMA3C-related condition.

Submission:

PreventionGenetics, part of Exact Sciences
Classification: Uncertain significance for SEMA3C-related condition. Last evaluated: 2023-12-18. Review status: no assertion criteria provided. Collection method: clinical testing. Allele origin: germline.
Comment: The SEMA3C c.1009_1011delACA variant is predicted to result in an in-frame deletion (p.Thr337del). To our knowledge, this variant has not been reported in the literature. This variant is reported in 0.0011% of alleles in individuals of European (Non-Finnish) descent in gnomAD. At this time, the clinical significance of this variant is uncertain due to the absence of conclusive functional and genetic evidence.

NM_006379.5(SEMA3C):c.952ACA[1] (p.Thr319del)

Gene: SEMA3C (semaphorin 3C; minus strand). Cytogenetic location: 7q21.11.
Variant type: Microsatellite.
Coding change: c.952ACA[1] on transcript NM_006379.5 (MANE Select); one copy of the 3-base unit ACA starting at c.952; the reference has two copies in a row; one copy, 3 bases deleted.
Protein change: p.Thr319del; deletes threonine 319.
Molecular consequence: inframe deletion.
Genome position (GRCh38, 1-based): chr7:80,800,786-80,800,788, TGT deleted on the plus strand (ACA on the coding strand, the reverse complement: SEMA3C is on the minus strand); deleting any 3 consecutive bases within chr7:80,800,786-80,800,791 gives the same sequence; the position shown is the placement nearest the transcript's 3' end. VCF-style (leftmost placement, unchanged base first): chr7-80800785-GTGT-G. GRCh37 (hg19) VCF-style: chr7-80430101-GTGT-G.
Other names: c.1006ACA[1], p.Thr337del (NM_001350120.2); c.778ACA[1], p.Thr261del (NM_001350121.2); short protein forms T261del, T319del, T337del.
Identifiers: ClinVar variation 3348208 (VCV003348208.1).
Genomic context (GRCh38, chr7:80,800,785, plus strand): 5'-TAACTCATAAAATGTAACTGTTGAATAATTACCTTGATGTTGTAAAAATGCCATACACTA[GTGT>G]TGTCCTCGGGTTATCAGTTTCCAGCAGAAACACATCCTCTATAAAAAGGAAAATATTCTT-3'